The following is an entry in ClinVar:

ClinVar aggregate classification (germline): Benign. Review status: criteria provided, multiple submitters, no conflicts (2 of 4 stars). 3 submissions from 2 submitters: Benign (3). Last evaluated 2018-01-13.

Conditions:
Deficiency of steroid 11-beta-monooxygenase (CYP11B1). Also called: ADRENAL HYPERPLASIA, CONGENITAL, DUE TO STEROID 11-BETA-HYDROXYLASE DEFICIENCY; 11-BETA-HYDROXYLASE DEFICIENCY; ADRENAL HYPERPLASIA IV; P450C11B1 DEFICIENCY; STEROID 11-BETA-HYDROXYLASE DEFICIENCY; Congenital adrenal hyperplasia due to 11-beta-hydroxylase deficiency. Identifiers: Orphanet 90795, MedGen C0268292, MONDO:0008729, OMIM 202010. Disease mechanism: loss of function.
Glucocorticoid-remediable aldosteronism. Also called: Hyperaldosteronism, familial, type I; ACTH-DEPENDENT HYPERALDOSTERONISM SYNDROME; ALDOSTERONISM, SENSITIVE TO DEXAMETHASONE; FH I; GLUCOCORTICOID-SUPPRESSIBLE HYPERALDOSTERONISM. Identifiers: Orphanet 403, MedGen C3838731, MONDO:0007080, OMIM 103900.

Allele frequency attached by ClinVar (database versions not stated): TOPMed 0.47827; gnomAD 0.49013; gnomAD exomes 0.52856; 1000 Genomes Project 30x 0.56121; 1000 Genomes Project 0.57448.
gnomAD v4.1: 95,663 of 193,778 alleles (49%); highest among the groups gnomAD compares: East Asian, 84%; 24,897 homozygotes.

Submissions (3):

Illumina Laboratory Services, Illumina
Classification: Benign for Glucocorticoid-remediable aldosteronism. Last evaluated: 2018-01-13. Review status: criteria provided, single submitter. Criteria: ICSL Variant Classification Criteria 13 December 2019. Collection method: clinical testing. Allele origin: germline.
Comment: This variant was observed in the ICSL laboratory as part of a predisposition screen in an ostensibly healthy population. It had not been previously curated by ICSL or reported in the Human Gene Mutation Database (HGMD: prior to June 1st, 2018), and was therefore a candidate for classification through an automated scoring system. Utilizing variant allele frequency, disease prevalence and penetrance estimates, and inheritance mode, an automated score was calculated to assess if this variant is too frequent to cause the disease. Based on the score and internal cut-off values, a variant classified as benign is not then subjected to further curation. The score for this variant resulted in a classification of benign for this disease.

Illumina Laboratory Services, Illumina
Classification: Benign for Deficiency of steroid 11-beta-monooxygenase. Last evaluated: 2018-01-13. Review status: criteria provided, single submitter. Criteria: ICSL Variant Classification Criteria 13 December 2019. Collection method: clinical testing. Allele origin: germline.
Comment: the same text as in the submission from Illumina Laboratory Services, Illumina above.

Breakthrough Genomics
Classification: Benign. Review status: criteria provided, single submitter. Criteria: ACMG Guidelines, 2015. Collection method: not provided. Allele origin: germline. Inheritance: Autosomal recessive inheritance. Affected: yes.

NM_000497.4(CYP11B1):c.*516A>G

Gene: CYP11B1 (cytochrome P450 family 11 subfamily B member 1; minus strand). Cytogenetic location: 8q24.3.
Variant type: single nucleotide variant.
Coding change: c.*516A>G on transcript NM_000497.4 (MANE Select); 516 bases downstream of the stop codon, A replaced by G.
Molecular consequence: 3 prime UTR variant.
Genome position (GRCh38, 1-based): chr8:142,873,857, T>C on the plus strand (A>G on the coding strand, the complement: CYP11B1 is on the minus strand). VCF-style: chr8-142873857-T-C. GRCh37 (hg19) VCF-style: chr8-143955273-T-C.
Other names: c.*516A>G (NM_001026213.1).
Identifiers: ClinVar variation 362134 (VCV000362134.6), dbSNP rs5301, ClinGen allele CA10630378.
Genomic context (GRCh38, chr8:142,873,857, plus strand): 5'-TGTCAGGACAAGTGACCACAGGGGCCTTTTTATTCTACCCTGCAGGACCCTATTCCAGGG[T>C]GACAACTTTCAGAGAGCTCAGGGCATGCTCGAGCTGCCTAGGGGTCAGGCTGCAGGAGGG-3'